The following is an entry in ClinVar:

ClinVar aggregate classification (germline): Likely benign. Review status: criteria provided, multiple submitters, no conflicts (2 of 4 stars). 2 submissions from 2 submitters: Likely benign (2). Last evaluated 2025-12-01.

Submissions (2):

CeGaT Center for Human Genetics Tuebingen
Classification: Likely benign. Last evaluated: 2025-12-01. Review status: criteria provided, single submitter. Criteria: CeGaT Center For Human Genetics Tuebingen Variant Classification Criteria Version 2. Collection method: clinical testing. Allele origin: germline. Affected: yes. Observed: 1 variant allele.
Comment: ZSWIM6: PM2:Supporting, BP4, BP7

Labcorp Genetics (formerly Invitae), Labcorp
Classification: Likely benign. Last evaluated: 2024-10-10. Review status: criteria provided, single submitter. Criteria: Invitae Variant Classification Sherloc (09022015). Collection method: clinical testing. Allele origin: germline.

NM_020928.2(ZSWIM6):c.2097A>G (p.Leu699=)

Gene: ZSWIM6 (zinc finger SWIM-type containing 6; plus strand). Cytogenetic location: 5q12.1.
Variant type: single nucleotide variant.
Coding change: c.2097A>G on transcript NM_020928.2 (MANE Select); coding-DNA position 2097, A replaced by G.
Protein change: p.Leu699=; no amino-acid change (leucine 699 retained).
Molecular consequence: synonymous variant.
Genome position (GRCh38, 1-based): chr5:61,531,577, A>G. VCF-style: chr5-61531577-A-G. GRCh37 (hg19) VCF-style: chr5-60827404-A-G.
Identifiers: ClinVar variation 2777914 (VCV002777914.8), dbSNP rs1580067847, ClinGen allele CA444554017.
Genomic context (GRCh38, chr5:61,531,577, plus strand): 5'-ATTCTTAGAAGAAGGGGAATCCTATTTAACGCTGGCTGTGGAAGTAGCCCTGATAGGGCT[A>G]GGACAGCAGCGTATCATGCCTGATGGGCTGTACACACAAGAGAAAGTTTGCCGGAATGAG-3'
Protein context (NP_065979.1, residues 689-709): TLAVEVALIG[Leu699=]GQQRIMPDGL